The following is an entry in ClinVar:

ClinVar aggregate classification (germline): Benign. Review status: criteria provided, multiple submitters, no conflicts (2 of 4 stars). 11 submissions from 11 submitters: Benign (8). 3 of the submissions do not count toward it. Last evaluated 2026-02-02.

Conditions:
Collagen 6-related myopathy. Identifiers: MedGen CN117976, MONDO:0100225.
Bethlem myopathy 1A. Also called: Bethlem myopathy 1; Bethlem Muscular Dystrophy; MYOPATHY, BENIGN CONGENITAL, WITH CONTRACTURES. Identifiers: Orphanet 610, MedGen CN029274, MONDO:0024530, OMIM 158810.

Allele frequency attached by ClinVar (database versions not stated): gnomAD exomes 0.00500 and 0.00204; gnomAD 0.01707 and 0.01815; 1000 Genomes Project 30x 0.02249; 1000 Genomes Project 0.01997; ExAC 0.00597; ESP Exome Variant Server 0.01838; TOPMed 0.01913.
gnomAD v4.1: 5,782 of 1,613,330 alleles (0.36%); highest among the groups gnomAD compares: African/African-American, 5.8%; 165 homozygotes.

Submissions (11):

Labcorp Genetics (formerly Invitae), Labcorp
Classification: Benign for Bethlem myopathy 1A. Last evaluated: 2026-02-02. Review status: criteria provided, single submitter. Criteria: Invitae Variant Classification Sherloc (09022015). Collection method: clinical testing. Allele origin: germline.

Athena Diagnostics
Classification: Benign. Last evaluated: 2024-06-10. Review status: criteria provided, single submitter. Criteria: Athena Diagnostics Criteria. Collection method: clinical testing. Allele origin: unknown.

Mayo Clinic Laboratories, Mayo Clinic
Classification: Benign. Last evaluated: 2019-03-07. Review status: criteria provided, single submitter. Criteria: ACMG Guidelines, 2015. Collection method: clinical testing. Allele origin: germline. Observed: 6 variant alleles.

Illumina Laboratory Services, Illumina
Classification: Benign for Collagen VI-related myopathy. Last evaluated: 2018-01-13. Review status: criteria provided, single submitter. Criteria: ICSL Variant Classification Criteria 13 December 2019. Collection method: clinical testing. Allele origin: germline.
Comment: This variant was observed in the ICSL laboratory as part of a predisposition screen in an ostensibly healthy population. It had not been previously curated by ICSL or reported in the Human Gene Mutation Database (HGMD: prior to June 1st, 2018), and was therefore a candidate for classification through an automated scoring system. Utilizing variant allele frequency, disease prevalence and penetrance estimates, and inheritance mode, an automated score was calculated to assess if this variant is too frequent to cause the disease. Based on the score and internal cut-off values, a variant classified as benign is not then subjected to further curation. The score for this variant resulted in a classification of benign for this disease.

GeneDx
Classification: Benign. Last evaluated: 2016-08-16. Review status: criteria provided, single submitter. Criteria: GeneDx Variant Classification (06012015). Collection method: clinical testing. Allele origin: germline. Affected: yes.
Comment: This variant is considered likely benign or benign based on one or more of the following criteria: it is a conservative change, it occurs at a poorly conserved position in the protein, it is predicted to be benign by multiple in silico algorithms, and/or has population frequency not consistent with disease.

PreventionGenetics, part of Exact Sciences
Classification: Benign. Last evaluated: 2016-04-01. Review status: criteria provided, single submitter. Criteria: ACMG Guidelines, 2015. Collection method: clinical testing. Allele origin: germline.

Eurofins Ntd Llc (ga)
Classification: Benign. Last evaluated: 2012-07-17. Review status: criteria provided, single submitter. Criteria: EGL Classification Definitions 2015. Collection method: clinical testing. Allele origin: germline. Observed: 3 variant alleles, 3 heterozygotes.

Breakthrough Genomics
Classification: Benign. Review status: criteria provided, single submitter. Criteria: ACMG Guidelines, 2015. Collection method: not provided. Allele origin: germline. Inheritance: Autosomal recessive inheritance. Affected: yes.

Clinical Genetics, Academic Medical Center
Classification: Benign. Review status: no assertion criteria provided. Collection method: clinical testing. Allele origin: germline. Affected: yes. Study: VKGL Data-share Consensus. Not counted in ClinVar's aggregate classification.

Genetic Services Laboratory, University of Chicago
Classification: Likely benign for AllHighlyPenetrant. Review status: no assertion criteria provided. Collection method: clinical testing. Allele origin: germline. Not counted in ClinVar's aggregate classification.
Comment: Likely benign based on allele frequency in 1000 Genomes Project or ESP global frequency and its presence in a patient with a rare or unrelated disease phenotype. NOT Sanger confirmed.

Laboratory of Diagnostic Genome Analysis, Leiden University Medical Center (LUMC)
Classification: Likely benign. Review status: no assertion criteria provided. Collection method: clinical testing. Allele origin: germline. Affected: yes. Study: VKGL Data-share Consensus. Not counted in ClinVar's aggregate classification.

Literature cited by the submitters: PubMed 15689448 (cited by Athena Diagnostics).

NM_004369.4(COL6A3):c.7995A>C (p.Ala2665=)

Gene: COL6A3 (collagen type VI alpha 3 chain; minus strand). Cytogenetic location: 2q37.3.
Variant type: single nucleotide variant.
Coding change: c.7995A>C on transcript NM_004369.4 (MANE Select); coding-DNA position 7995, A replaced by C.
Protein change: p.Ala2665=; no amino-acid change (alanine 2665 retained).
Molecular consequence: synonymous variant.
Genome position (GRCh38, 1-based): chr2:237,340,921, T>G on the plus strand (A>C on the coding strand, the complement: COL6A3 is on the minus strand). VCF-style: chr2-237340921-T-G. GRCh37 (hg19) VCF-style: chr2-238249564-T-G.
Other names: p.Ala2665=; c.6174A>C, p.Ala2058= (NM_057166.5); c.7377A>C, p.Ala2459= (NM_057167.4).
Identifiers: ClinVar variation 94999 (VCV000094999.30), dbSNP rs80193928, ClinGen allele CA148053.